The following is an entry in ClinVar:

NM_001371986.1(UNC80):c.7655G>A (p.Arg2552Gln)

Gene: UNC80 (unc-80 subunit of NALCN channel complex; plus strand). Cytogenetic location: 2q34.
Variant type: single nucleotide variant.
Coding change: c.7655G>A on transcript NM_001371986.1 (MANE Select); coding-DNA position 7655, G replaced by A.
Protein change: p.Arg2552Gln; replaces arginine 2552 with glutamine.
Molecular consequence: missense variant.
Genome position (GRCh38, 1-based): chr2:209,959,557, G>A. VCF-style: chr2-209959557-G-A. GRCh37 (hg19) VCF-style: chr2-210824281-G-A.
Other names: c.7457G>A, p.Arg2486Gln (NM_032504.2); c.7442G>A, p.Arg2481Gln (NM_182587.4); c.7457G>A (NM_032504.1); short protein forms R2481Q, R2552Q, R2486Q.
Identifiers: ClinVar variation 1427742 (VCV001427742.8), dbSNP rs184869513, ClinGen allele CA2083491.

ClinVar aggregate classification (germline): Uncertain significance. Review status: criteria provided, multiple submitters, no conflicts (2 of 4 stars). 4 submissions from 4 submitters: Uncertain significance (4). Last evaluated 2026-02-01.

Conditions:
Inborn genetic diseases. Identifiers: MedGen C0950123, MeSH D030342.

Allele frequency attached by ClinVar (database versions not stated): gnomAD 0.00005; TOPMed 0.00006; ExAC 0.00009; gnomAD exomes 0.00014; 1000 Genomes Project 30x 0.00016; 1000 Genomes Project 0.00020; ESP Exome Variant Server 0.00022.
gnomAD v4.1: 38 of 1,551,664 alleles (0.0024%); highest among the groups gnomAD compares: Admixed American, 0.043%; no homozygotes.

Submissions (4):

Labcorp Genetics (formerly Invitae), Labcorp
Classification: Uncertain significance. Last evaluated: 2026-02-01. Review status: criteria provided, single submitter. Criteria: Invitae Variant Classification Sherloc (09022015). Collection method: clinical testing. Allele origin: germline.
Comment: This sequence change replaces arginine, which is basic and polar, with glutamine, which is neutral and polar, at codon 2486 of the UNC80 protein (p.Arg2486Gln). This variant is present in population databases (rs184869513, gnomAD 0.07%). This variant has not been reported in the literature in individuals affected with UNC80-related conditions. ClinVar contains an entry for this variant (Variation ID: 1427742). Invitae Evidence Modeling of protein sequence and biophysical properties (such as structural, functional, and spatial information, amino acid conservation, physicochemical variation, residue mobility, and thermodynamic stability) indicates that this missense variant is not expected to disrupt UNC80 protein function with a negative predictive value of 80%. In summary, the available evidence is currently insufficient to determine the role of this variant in disease. Therefore, it has been classified as a Variant of Uncertain Significance.

GeneDx
Classification: Uncertain significance. Last evaluated: 2025-02-07. Review status: criteria provided, single submitter. Criteria: GeneDx Variant Classification Process June 2021. Collection method: clinical testing. Allele origin: germline. Affected: yes.
Comment: In silico analysis supports that this missense variant has a deleterious effect on protein structure/function; Has not been previously published as pathogenic or benign to our knowledge

Ambry Genetics
Classification: Uncertain significance for Inborn genetic diseases. Last evaluated: 2025-01-31. Review status: criteria provided, single submitter. Criteria: Ambry Variant Classification Scheme 2023. Collection method: clinical testing. Allele origin: germline.

Blueprint Genetics
Classification: Uncertain significance. Last evaluated: 2023-07-21. Review status: criteria provided, single submitter. Criteria: ACMG Guidelines, 2015. Collection method: clinical testing. Allele origin: germline.